The following is an entry in ClinVar:

ClinVar aggregate classification (germline): Uncertain significance (1 of 4 stars; one submission).

Conditions:
CHARGE syndrome (CHARGE). Also called: Hittner Hirsch Kreh syndrome; CHARGE ASSOCIATION--COLOBOMA, HEART ANOMALY, CHOANAL ATRESIA, RETARDATION, GENITAL AND EAR ANOMALIES; Coloboma, heart anomaly, choanal atresia, retardation, genital and ear anomalies; CHARGE association; Hall-Hittner syndrome. Identifiers: Orphanet 138, MedGen C0265354, MONDO:0008965.

Submission:

Labcorp Genetics (formerly Invitae), Labcorp
Classification: Uncertain significance for CHARGE syndrome. Last evaluated: 2025-02-04. Review status: criteria provided, single submitter. Criteria: Invitae Variant Classification Sherloc (09022015). Collection method: clinical testing. Allele origin: germline.
Comment: This sequence change replaces lysine, which is basic and polar, with glutamic acid, which is acidic and polar, at codon 91 of the SEMA3E protein (p.Lys91Glu). This variant is not present in population databases (gnomAD no frequency). This variant has not been reported in the literature in individuals affected with SEMA3E-related conditions. Invitae Evidence Modeling of protein sequence and biophysical properties (such as structural, functional, and spatial information, amino acid conservation, physicochemical variation, residue mobility, and thermodynamic stability) indicates that this missense variant is not expected to disrupt SEMA3E protein function with a negative predictive value of 80%. In summary, the available evidence is currently insufficient to determine the role of this variant in disease. Therefore, it has been classified as a Variant of Uncertain Significance.

NM_012431.3(SEMA3E):c.271A>G (p.Lys91Glu)

Gene: SEMA3E (semaphorin 3E; minus strand). Cytogenetic location: 7q21.11.
Variant type: single nucleotide variant.
Coding change: c.271A>G on transcript NM_012431.3 (MANE Select); coding-DNA position 271, A replaced by G.
Protein change: p.Lys91Glu; replaces lysine 91 with glutamic acid.
Molecular consequence: missense variant.
Genome position (GRCh38, 1-based): chr7:83,490,119, T>C on the plus strand (A>G on the coding strand, the complement: SEMA3E is on the minus strand). VCF-style: chr7-83490119-T-C. GRCh37 (hg19) VCF-style: chr7-83119435-T-C.
Other names: c.91A>G, p.Lys31Glu (NM_001178129.2); short protein forms K31E, K91E.
Identifiers: ClinVar variation 4702956 (VCV004702956.1).
Genomic context (GRCh38, chr7:83,490,119, plus strand): 5'-TTGAAATTTCCCCCCTTTTCTATCTCTACTGAAATGCAGTTTGATATTTCTATACCTCTT[T>C]ATAGCCGTCACTGATTCTCTCCAAGCTGAGGGAATATACAAGGTCCCTGCCTCCCACGAA-3'
Protein context (NP_036563.1, residues 81-101): LSLERISDGY[Lys91Glu]EIHWPSTALK